The following is an entry in ClinVar:

NM_000155.4(GALT):c.367C>G (p.Arg123Gly)

Gene: GALT (galactose-1-phosphate uridylyltransferase; plus strand). Cytogenetic location: 9p13.3.
Variant type: single nucleotide variant.
Coding change: c.367C>G on transcript NM_000155.4 (MANE Select); coding-DNA position 367, C replaced by G.
Protein change: p.Arg123Gly; replaces arginine 123 with glycine.
Molecular consequence: missense variant. On other transcripts: intron variant (1).
Genome position (GRCh38, 1-based): chr9:34,647,695, C>G. VCF-style: chr9-34647695-C-G. GRCh37 (hg19) VCF-style: chr9-34647692-C-G.
Other names: c.51-137C>G (NM_001258332.2).
Identifiers: ClinVar variation 25147 (VCV000025147.13), dbSNP rs111033674, ClinGen allele CA259356.

ClinVar aggregate classification (germline): Pathogenic/Likely pathogenic. Review status: criteria provided, multiple submitters, no conflicts (2 of 4 stars). 4 submissions from 4 submitters: Pathogenic (2); Likely pathogenic (2). Last evaluated 2025-12-02.

Conditions:
Galactosemia. Also called: Galactose intolerance. Identifiers: Orphanet 352, MedGen C0016952, MONDO:0018116, HP:0004919. Disease mechanism: loss of function.
Deficiency of UDPglucose-hexose-1-phosphate uridylyltransferase. Also called: GALACTOSE-1-PHOSPHATE URIDYLYLTRANSFERASE DEFICIENCY; GALT deficiency; Galactosemia, classic; Transferase Deficiency Galactosemia; GALACTOSEMIA I. Identifiers: Orphanet 352, Orphanet 79239, MedGen C0268151, MONDO:0009258, OMIM 230400.

Allele frequency attached by ClinVar (database versions not stated): gnomAD 0.00001; TOPMed 0.00001; gnomAD exomes 0.00001.
gnomAD v4.1: 7 of 1,614,000 alleles (0.00043%); highest among the groups gnomAD compares: South Asian, 0.0011%; no homozygotes.

Submissions (4):

Natera, Inc.
Classification: Likely pathogenic for Galactosemia. Last evaluated: 2025-12-02. Review status: criteria provided, single submitter. Criteria: Natera Variant Classification Schema (03/2026). Collection method: clinical testing. Allele origin: germline.
Comment: The c.367C>G variant in GALT is a missense variant predicted to cause substitution of arginine to glycine at amino acid 123. This variant is rare in the general population with a frequency below the threshold expected for the associated phenotype(s). This variant has been observed in one or more individuals affected with the associated recessive disease, as either homozygous or compound heterozygous with a second variant (PMID: 9222760, 31194682). A different variant at the same position has been determined to be Pathogenic or Likely Pathogenic. Given the available evidence, this variant is classified as Likely Pathogenic.

ARUP Laboratories, Molecular Genetics and Genomics, ARUP Laboratories
Classification: Likely pathogenic for Deficiency of UDPglucose-hexose-1-phosphate uridylyltransferase. Last evaluated: 2025-04-29. Review status: criteria provided, single submitter. Criteria: ARUP Molecular Germline Variant Investigation Process 2024. Collection method: clinical testing. Allele origin: germline.
Comment: The GALT c.367C>G; p.Arg123Gly variant (rs111033674, ClinVar Variation ID: 25147) is reported in the literature in a compound heterozygous individual and a homozygous individual affected with classic galactosemia (Greber-Platzer 1997, Teke Kisa 2019). This variant is only observed on three alleles in the Genome Aggregation Database (v2.1.1), indicating it is not a common polymorphism. Computational analyses predict that this variant is deleterious (REVEL: 0.743). Based on available information, this variant is considered to be likely pathogenic. References: Greber-Platzer S et al. Molecular heterogeneity of classical and Duarte galactosemia: mutation analysis by denaturing gradient gel electrophoresis. Hum Mutat. 1997;10(1):49-57. PMID: 9222760. Teke Kisa P et al. Clinical and molecular characteristics and time of diagnosis of patients with classical galactosemia in an unscreened population in Turkey. J Pediatr Endocrinol Metab. 2019 Jul 26;32(7):675-681. PMID: 31194682.

Labcorp Genetics (formerly Invitae), Labcorp
Classification: Pathogenic for Deficiency of UDPglucose-hexose-1-phosphate uridylyltransferase. Last evaluated: 2025-01-30. Review status: criteria provided, single submitter. Criteria: Invitae Variant Classification Sherloc (09022015). Collection method: clinical testing. Allele origin: germline.
Comment: This sequence change replaces arginine, which is basic and polar, with glycine, which is neutral and non-polar, at codon 123 of the GALT protein (p.Arg123Gly). This variant is present in population databases (rs111033674, gnomAD 0.01%). This missense change has been observed in individual(s) with galactosemia (PMID: 9222760, 31194682). ClinVar contains an entry for this variant (Variation ID: 25147). Invitae Evidence Modeling of protein sequence and biophysical properties (such as structural, functional, and spatial information, amino acid conservation, physicochemical variation, residue mobility, and thermodynamic stability) indicates that this missense variant is expected to disrupt GALT protein function with a positive predictive value of 95%. This variant disrupts the p.Arg123 amino acid residue in GALT. Other variant(s) that disrupt this residue have been determined to be pathogenic (PMID: 11397328). This suggests that this residue is clinically significant, and that variants that disrupt this residue are likely to be disease-causing. For these reasons, this variant has been classified as Pathogenic.

Baylor Genetics
Classification: Pathogenic for Deficiency of UDPglucose-hexose-1-phosphate uridylyltransferase. Last evaluated: 2023-12-02. Review status: criteria provided, single submitter. Criteria: ACMG Guidelines, 2015. Collection method: clinical testing. Allele origin: unknown.

Literature cited by the submitters: PubMed 9222760 (cited by Natera, Inc. and Labcorp Genetics (formerly Invitae), Labcorp); PubMed 31194682 (cited by Natera, Inc. and Labcorp Genetics (formerly Invitae), Labcorp); PubMed 11397328 (cited by Labcorp Genetics (formerly Invitae), Labcorp).